The following is an entry in ClinVar:

ClinVar aggregate classification (germline): Benign/Likely benign. Review status: criteria provided, multiple submitters, no conflicts (2 of 4 stars). 5 submissions from 3 submitters: Benign (1); Likely benign (4). Last evaluated 2026-01-06.

Conditions:
Corticosterone 18-monooxygenase deficiency. Also called: ALDOSTERONE DEFICIENCY DUE TO DEFECT IN STEROID 18-HYDROXYLASE; ALDOSTERONE DEFICIENCY I; CMO I DEFICIENCY; STEROID 18-HYDROXYLASE DEFICIENCY; 18 Hydroxylase deficiency; Aldosterone deficiency due to defect in 18 hydroxylase. Identifiers: Orphanet 427, MedGen C0268293, MONDO:0008751, OMIM 203400. Disease mechanism: loss of function.
Corticosterone methyloxidase type 2 deficiency. Also called: 18-OXIDASE DEFICIENCY; ALDOSTERONE DEFICIENCY DUE TO DEFICIENCY OF STEROID 18-OXIDASE; ALDOSTERONE DEFICIENCY II; CMO II DEFICIENCY; STEROID 18-OXIDASE DEFICIENCY. Identifiers: Orphanet 427, MedGen C3463917, MONDO:0012524, OMIM 610600. Disease mechanism: loss of function.
Glucocorticoid-remediable aldosteronism. Also called: Hyperaldosteronism, familial, type I; ACTH-DEPENDENT HYPERALDOSTERONISM SYNDROME; ALDOSTERONISM, SENSITIVE TO DEXAMETHASONE; FH I; GLUCOCORTICOID-SUPPRESSIBLE HYPERALDOSTERONISM. Identifiers: Orphanet 403, MedGen C3838731, MONDO:0007080, OMIM 103900.

Allele frequency attached by ClinVar (database versions not stated): ESP Exome Variant Server 0.00008; 1000 Genomes Project 0.00020; gnomAD 0.00025; 1000 Genomes Project 30x 0.00031; gnomAD exomes 0.00037 and 0.00172; TOPMed 0.00073; ExAC 0.00129.
gnomAD v4.1: 559 of 1,613,790 alleles (0.035%); highest among the groups gnomAD compares: Admixed American, 0.83%; 4 homozygotes.

Submissions (5):

Labcorp Genetics (formerly Invitae), Labcorp
Classification: Benign. Last evaluated: 2026-01-06. Review status: criteria provided, single submitter. Criteria: Invitae Variant Classification Sherloc (09022015). Collection method: clinical testing. Allele origin: germline.

Illumina Laboratory Services, Illumina
Classification: Likely benign for Corticosterone 18-monooxygenase deficiency. Last evaluated: 2017-04-28. Review status: criteria provided, single submitter. Criteria: ICSL Variant Classification Criteria 13 December 2019. Collection method: clinical testing. Allele origin: germline.
Comment: This variant was observed as part of a predisposition screen in an ostensibly healthy population. A literature search was performed for the gene, cDNA change, and amino acid change (where applicable). No publications were found based on this search. Allele frequency data from public databases allowed determination this variant is unlikely to cause disease. Therefore, this variant is classified as likely benign.

Illumina Laboratory Services, Illumina
Classification: Likely benign for Hyperaldosteronism, familial, type I. Last evaluated: 2017-04-28. Review status: criteria provided, single submitter. Criteria: ICSL Variant Classification Criteria 13 December 2019. Collection method: clinical testing. Allele origin: germline.
Comment: the same text as in the submission from Illumina Laboratory Services, Illumina above.

Illumina Laboratory Services, Illumina
Classification: Likely benign for Corticosterone methyloxidase type 2 deficiency. Last evaluated: 2017-04-28. Review status: criteria provided, single submitter. Criteria: ICSL Variant Classification Criteria 13 December 2019. Collection method: clinical testing. Allele origin: germline.
Comment: the same text as in the submission from Illumina Laboratory Services, Illumina above.

Breakthrough Genomics
Classification: Likely benign. Review status: criteria provided, single submitter. Criteria: ACMG Guidelines, 2015. Collection method: not provided. Allele origin: germline. Inheritance: Autosomal recessive inheritance. Affected: yes.

NM_000498.3(CYP11B2):c.1101G>A (p.Ala367=)

Genes: CYP11B2 (cytochrome P450 family 11 subfamily B member 2; minus strand), LOC106799834 (CYP11B2 recombination region; plus strand). Cytogenetic location: 8q24.3.
Variant type: single nucleotide variant.
Coding change: c.1101G>A on transcript NM_000498.3 (MANE Select); coding-DNA position 1101, G replaced by A.
Protein change: p.Ala367=; no amino-acid change (alanine 367 retained).
Molecular consequence: synonymous variant.
Genome position (GRCh38, 1-based): chr8:142,913,305, C>T on the plus strand (G>A on the coding strand, the complement: CYP11B2 is on the minus strand). VCF-style: chr8-142913305-C-T. GRCh37 (hg19) VCF-style: chr8-143994721-C-T.
Identifiers: ClinVar variation 362196 (VCV000362196.16), dbSNP rs371450047, ClinGen allele CA4905936.
Genomic context (GRCh38, chr8:142,913,305, plus strand): 5'-AGGGGGCCAGGGCCACAGGGAGGCCTCAGCCAGCACCCACCGCAAGGTCTCCTTGAGGGC[C>T]GCCCGCAGCAAGGGCAGCTCGGTGGTTGCCTTCTGGGGATGTTCACTGATGCTGGCTGCG-3'
Protein context (NP_000489.3, residues 357-377): KATTELPLLR[Ala367=]ALKETLRLYP